The following is an entry in ClinVar:

ClinVar aggregate classification (germline): Uncertain significance (1 of 4 stars; one submission).

Conditions:
Neuronal ceroid lipofuscinosis. Also called: Neuronal Ceroid Lipofuscinoses. Identifiers: Orphanet 216, Orphanet 79263, MedGen C0027877, MONDO:0016295. Disease mechanism: loss of function.

Allele frequency attached by ClinVar (database versions not stated): gnomAD exomes below 0.00001; TOPMed 0.00001.
gnomAD v4.1: 1 of 1,613,512 alleles (0.000062%); highest among the groups gnomAD compares: Non-Finnish European, 0.000085%; no homozygotes.

Submission:

Labcorp Genetics (formerly Invitae), Labcorp
Classification: Uncertain significance for Neuronal ceroid lipofuscinosis. Last evaluated: 2022-04-29. Review status: criteria provided, single submitter. Criteria: Invitae Variant Classification Sherloc (09022015). Collection method: clinical testing. Allele origin: germline.
Comment: This sequence change replaces alanine, which is neutral and non-polar, with valine, which is neutral and non-polar, at codon 116 of the CTSD protein (p.Ala116Val). This variant is not present in population databases (gnomAD no frequency). This variant has not been reported in the literature in individuals affected with CTSD-related conditions. Algorithms developed to predict the effect of missense changes on protein structure and function are either unavailable or do not agree on the potential impact of this missense change (SIFT: "Deleterious"; PolyPhen-2: "Probably Damaging"; Align-GVGD: "Class C0"). In summary, the available evidence is currently insufficient to determine the role of this variant in disease. Therefore, it has been classified as a Variant of Uncertain Significance.

NM_001909.5(CTSD):c.347C>T (p.Ala116Val)

Gene: CTSD (cathepsin D; minus strand). Cytogenetic location: 11p15.5.
Variant type: single nucleotide variant.
Coding change: c.347C>T on transcript NM_001909.5 (MANE Select); coding-DNA position 347, C replaced by T.
Protein change: p.Ala116Val; replaces alanine 116 with valine.
Molecular consequence: missense variant.
Genome position (GRCh38, 1-based): chr11:1,759,521, G>A on the plus strand (C>T on the coding strand, the complement: CTSD is on the minus strand). VCF-style: chr11-1759521-G-A. GRCh37 (hg19) VCF-style: chr11-1780751-G-A.
Other names: short protein forms A116V.
Identifiers: ClinVar variation 1984385 (VCV001984385.1), dbSNP rs1371823186, ClinGen allele CA379097960.